The following is an entry in ClinVar:

NM_006908.5(RAC1):c.108-3C>G

Gene: RAC1 (Rac family small GTPase 1; plus strand). Cytogenetic location: 7p22.1.
Variant type: single nucleotide variant.
Coding change: c.108-3C>G on transcript NM_006908.5 (MANE Select); 3 bases into the intron before coding-DNA position 108, C replaced by G.
Molecular consequence: intron variant.
Genome position (GRCh38, 1-based): chr7:6,391,921, C>G. VCF-style: chr7-6391921-C-G. GRCh37 (hg19) VCF-style: chr7-6431552-C-G.
Other names: c.108-3C>G (NM_018890.4).
Identifiers: ClinVar variation 3360913 (VCV003360913.1).

ClinVar aggregate classification (germline): Uncertain significance (1 of 4 stars; one submission).

Submission:

GeneDx
Classification: Uncertain significance. Last evaluated: 2023-07-20. Review status: criteria provided, single submitter. Criteria: GeneDx Variant Classification Process June 2021. Collection method: clinical testing. Allele origin: germline. Affected: yes.
Comment: Not observed at significant frequency in large population cohorts (gnomAD); In silico analysis supports a deleterious effect on splicing; Has not been previously published as pathogenic or benign to our knowledge